The following is an entry in ClinVar:

NM_170754.4(TNS2):c.2273C>G (p.Pro758Arg)

Gene: TNS2 (tensin 2; plus strand). Cytogenetic location: 12q13.13.
Variant type: single nucleotide variant.
Coding change: c.2273C>G on transcript NM_170754.4 (MANE Select); coding-DNA position 2273, C replaced by G.
Protein change: p.Pro758Arg; replaces proline 758 with arginine.
Molecular consequence: missense variant.
Genome position (GRCh38, 1-based): chr12:53,059,914, C>G. VCF-style: chr12-53059914-C-G. GRCh37 (hg19) VCF-style: chr12-53453698-C-G.
Other names: c.2273C>G, p.Pro758Arg (NM_001416202.1); c.2231C>G, p.Pro744Arg (NM_001416203.1); c.2300C>G, p.Pro767Arg (NM_001416204.1); c.2204C>G, p.Pro735Arg (NM_015319.3); c.1901C>G, p.Pro634Arg (NM_198316.2); short protein forms P758R, P634R, P735R, P744R, P767R.
Identifiers: ClinVar variation 2768410 (VCV002768410.3), dbSNP rs115080744, ClinGen allele CA6592565.
Genomic context (GRCh38, chr12:53,059,914, plus strand): 5'-TCTTGCCTGCCTGTGGGCATCACCATGCCCCGATGCCTGACTACAGCTGCCTGAAGCCAC[C>G]CAAGGCAGGCGAGGAAGGGCACGAGGGCTGCTCCTACACCATGTGCCCCGAAGGCAGGTA-3'
Protein context (NP_736610.2, residues 748-768): PMPDYSCLKP[Pro758Arg]KAGEEGHEGC

ClinVar aggregate classification (germline): Uncertain significance (1 of 4 stars; one submission).

Allele frequency attached by ClinVar (database versions not stated): ExAC 0.00007; TOPMed 0.00025; 1000 Genomes Project 30x 0.00047; 1000 Genomes Project 0.00060; ESP Exome Variant Server 0.00015; gnomAD 0.00016.
gnomAD v4.1: 68 of 1,611,648 alleles (0.0042%); highest among the groups gnomAD compares: African/African-American, 0.08%; no homozygotes.

Submission:

Labcorp Genetics (formerly Invitae), Labcorp
Classification: Uncertain significance. Last evaluated: 2025-06-12. Review status: criteria provided, single submitter. Criteria: Invitae Variant Classification Sherloc (09022015). Collection method: clinical testing. Allele origin: germline.
Comment: This sequence change replaces proline, which is neutral and non-polar, with arginine, which is basic and polar, at codon 768 of the TNS2 protein (p.Pro768Arg). This variant is present in population databases (rs115080744, gnomAD 0.08%), and has an allele count higher than expected for a pathogenic variant. This variant has not been reported in the literature in individuals affected with TNS2-related conditions. ClinVar contains an entry for this variant (Variation ID: 2768410). An algorithm developed to predict the effect of missense changes on protein structure and function (PolyPhen-2) suggests that this variant is likely to be tolerated. In summary, the available evidence is currently insufficient to determine the role of this variant in disease. Therefore, it has been classified as a Variant of Uncertain Significance.